The following is an entry in ClinVar:

NM_004493.3(HSD17B10):c.262G>A (p.Ala88Thr)

Gene: HSD17B10 (hydroxysteroid 17-beta dehydrogenase 10; minus strand). Cytogenetic location: Xp11.22.
Variant type: single nucleotide variant.
Coding change: c.262G>A on transcript NM_004493.3 (MANE Select); coding-DNA position 262, G replaced by A.
Protein change: p.Ala88Thr; replaces alanine 88 with threonine.
Molecular consequence: missense variant.
Genome position (GRCh38, 1-based): chrX:53,432,342, C>T on the plus strand (G>A on the coding strand, the complement: HSD17B10 is on the minus strand). VCF-style: chrX-53432342-C-T. GRCh37 (hg19) VCF-style: chrX-53459290-C-T.
Other names: c.262G>A, p.Ala88Thr (NM_001037811.2); short protein forms A88T.
Identifiers: ClinVar variation 4765071 (VCV004765071.1).

ClinVar aggregate classification (germline): Uncertain significance (1 of 4 stars; one submission).

Submission:

Labcorp Genetics (formerly Invitae), Labcorp
Classification: Uncertain significance. Last evaluated: 2025-07-09. Review status: criteria provided, single submitter. Criteria: Invitae Variant Classification Sherloc (09022015). Collection method: clinical testing. Allele origin: germline.
Comment: This sequence change replaces alanine, which is neutral and non-polar, with threonine, which is neutral and polar, at codon 88 of the HSD17B10 protein (p.Ala88Thr). This variant is not present in population databases (gnomAD no frequency). This variant has not been reported in the literature in individuals affected with HSD17B10-related conditions. Invitae Evidence Modeling of protein sequence and biophysical properties (such as structural, functional, and spatial information, amino acid conservation, physicochemical variation, residue mobility, and thermodynamic stability) indicates that this missense variant is not expected to disrupt HSD17B10 protein function with a negative predictive value of 80%. In summary, the available evidence is currently insufficient to determine the role of this variant in disease. Therefore, it has been classified as a Variant of Uncertain Significance.